The following is an entry in ClinVar:

NM_019032.6(ADAMTSL4):c.2427C>T (p.Arg809=)

Gene: ADAMTSL4 (ADAMTS like 4; plus strand). Cytogenetic location: 1q21.2.
Variant type: single nucleotide variant.
Coding change: c.2427C>T on transcript NM_019032.6 (MANE Select); coding-DNA position 2427, C replaced by T.
Protein change: p.Arg809=; no amino-acid change (arginine 809 retained).
Molecular consequence: synonymous variant.
Genome position (GRCh38, 1-based): chr1:150,558,517, C>T. VCF-style: chr1-150558517-C-T. GRCh37 (hg19) VCF-style: chr1-150530993-C-T.
Other names: c.2310C>T, p.Arg770= (NM_001288607.2); c.2496C>T, p.Arg832= (NM_001288608.2); c.2427C>T, p.Arg809= (NM_001378596.1, NM_025008.5).
Identifiers: ClinVar variation 292553 (VCV000292553.18), dbSNP rs117343055, ClinGen allele CA1078675.

ClinVar aggregate classification (germline): Benign. Review status: criteria provided, multiple submitters, no conflicts (2 of 4 stars). 6 submissions from 5 submitters: Benign (6). Last evaluated 2026-02-03.

Conditions:
Ectopia lentis et pupillae. Also called: ECTOPIA LENTIS WITH ECTOPIA OF PUPIL. Identifiers: Orphanet 1885, MedGen C1644196, MONDO:0009153, OMIM 225200.
Ectopia lentis 2, isolated, autosomal recessive (ECTOL2). Identifiers: Orphanet 1885, MedGen C3541474, MONDO:0009152, OMIM 225100.

Allele frequency attached by ClinVar (database versions not stated): ESP Exome Variant Server 0.00031; gnomAD exomes 0.00210 and 0.00704; gnomAD 0.00235 and 0.00304; TOPMed 0.00441; ExAC 0.00696; 1000 Genomes Project 30x 0.01437; 1000 Genomes Project 0.01438.
gnomAD v4.1: 3,557 of 1,613,820 alleles (0.22%); highest among the groups gnomAD compares: East Asian, 7%; 130 homozygotes.

Submissions (6):

Labcorp Genetics (formerly Invitae), Labcorp
Classification: Benign. Last evaluated: 2026-02-03. Review status: criteria provided, single submitter. Criteria: Invitae Variant Classification Sherloc (09022015). Collection method: clinical testing. Allele origin: germline.

Blueprint Genetics
Classification: Benign. Last evaluated: 2024-11-19. Review status: criteria provided, single submitter. Criteria: ACMG Guidelines, 2015. Collection method: clinical testing. Allele origin: germline.

Genome-Nilou Lab
Classification: Benign for Ectopia lentis et pupillae. Last evaluated: 2023-04-11. Review status: criteria provided, single submitter. Criteria: ACMG Guidelines, 2015. Collection method: clinical testing. Allele origin: germline. Affected: no.

Genome-Nilou Lab
Classification: Benign for Ectopia lentis 2, isolated, autosomal recessive. Last evaluated: 2023-04-11. Review status: criteria provided, single submitter. Criteria: ACMG Guidelines, 2015. Collection method: clinical testing. Allele origin: germline. Affected: no.

GeneDx
Classification: Benign. Last evaluated: 2021-05-05. Review status: criteria provided, single submitter. Criteria: GeneDx Variant Classification Process June 2021. Collection method: clinical testing. Allele origin: germline. Affected: yes.

Illumina Laboratory Services, Illumina
Classification: Benign for Ectopia lentis 2, isolated, autosomal recessive. Last evaluated: 2018-01-13. Review status: criteria provided, single submitter. Criteria: ICSL Variant Classification Criteria 13 December 2019. Collection method: clinical testing. Allele origin: germline.
Comment: This variant was observed in the ICSL laboratory as part of a predisposition screen in an ostensibly healthy population. It had not been previously curated by ICSL or reported in the Human Gene Mutation Database (HGMD: prior to June 1st, 2018), and was therefore a candidate for classification through an automated scoring system. Utilizing variant allele frequency, disease prevalence and penetrance estimates, and inheritance mode, an automated score was calculated to assess if this variant is too frequent to cause the disease. Based on the score and internal cut-off values, a variant classified as benign is not then subjected to further curation. The score for this variant resulted in a classification of benign for this disease.